The following is an entry in ClinVar:

ClinVar aggregate classification (germline): Conflicting classifications of pathogenicity. Review status: criteria provided, conflicting classifications (1 of 4 stars). 5 submissions from 5 submitters: Uncertain significance (4); Likely benign (1). Last evaluated 2026-08-03.

Conditions:
COL18A1-related disorder. Also called: COL18A1-related disorders; COL18A1-related condition.
Inborn genetic diseases. Identifiers: MedGen C0950123, MeSH D030342.
Knobloch syndrome (KNO). Also called: Myopia retinal detachment encephalocele; RETINAL DETACHMENT AND OCCIPITAL ENCEPHALOCELE. Identifiers: Orphanet 1571, MedGen C1849409, MONDO:0800166.

Allele frequency attached by ClinVar (database versions not stated): gnomAD 0.00009; ExAC 0.00010; TOPMed 0.00010; gnomAD exomes 0.00013; 1000 Genomes Project 30x 0.00016; ESP Exome Variant Server 0.00016; 1000 Genomes Project 0.00020.
gnomAD v4.1: 118 of 1,613,426 alleles (0.0073%); highest among the groups gnomAD compares: Admixed American, 0.02%; no homozygotes.

Submissions (5):

PreventionGenetics, part of Exact Sciences
Classification: Uncertain significance for COL18A1-related condition. Last evaluated: 2026-08-03. Review status: criteria provided, single submitter. Criteria: ACMG Guidelines, 2015. Collection method: clinical testing. Allele origin: germline.
Comment: The COL18A1 c.727G>A variant is predicted to result in the amino acid substitution p.Asp243Asn. To our knowledge, this variant has not been reported in the literature. This variant is reported in 0.025% of alleles in individuals of Latino descent in gnomAD. At this time, the clinical significance of this variant is uncertain due to the absence of conclusive functional and genetic evidence.

Blueprint Genetics
Classification: Likely benign. Last evaluated: 2024-10-07. Review status: criteria provided, single submitter. Criteria: ACMG Guidelines, 2015. Collection method: clinical testing. Allele origin: germline.

Ambry Genetics
Classification: Uncertain significance for Inborn genetic diseases. Last evaluated: 2024-03-11. Review status: criteria provided, single submitter. Criteria: Ambry Variant Classification Scheme 2023. Collection method: clinical testing. Allele origin: germline.

Labcorp Genetics (formerly Invitae), Labcorp
Classification: Uncertain significance. Last evaluated: 2024-01-22. Review status: criteria provided, single submitter. Criteria: Invitae Variant Classification Sherloc (09022015). Collection method: clinical testing. Allele origin: germline.
Comment: This sequence change replaces aspartic acid, which is acidic and polar, with asparagine, which is neutral and polar, at codon 63 of the COL18A1 protein (p.Asp63Asn). This variant is present in population databases (rs377002382, gnomAD 0.03%). This variant has not been reported in the literature in individuals affected with COL18A1-related conditions. ClinVar contains an entry for this variant (Variation ID: 896441). Experimental studies and prediction algorithms are not available or were not evaluated, and the functional significance of this variant is currently unknown. In summary, the available evidence is currently insufficient to determine the role of this variant in disease. Therefore, it has been classified as a Variant of Uncertain Significance.

Illumina Laboratory Services, Illumina
Classification: Uncertain significance for Knobloch syndrome 1. Last evaluated: 2018-01-12. Review status: criteria provided, single submitter. Criteria: ICSL Variant Classification Criteria 13 December 2019. Collection method: clinical testing. Allele origin: germline.

NM_001379500.1(COL18A1):c.187G>A (p.Asp63Asn)

Gene: COL18A1 (collagen type XVIII alpha 1 chain; plus strand). Cytogenetic location: 21q22.3.
Variant type: single nucleotide variant.
Coding change: c.187G>A on transcript NM_001379500.1 (MANE Select); coding-DNA position 187, G replaced by A.
Protein change: p.Asp63Asn; replaces aspartic acid 63 with asparagine.
Molecular consequence: missense variant.
Genome position (GRCh38, 1-based): chr21:45,468,322, G>A. VCF-style: chr21-45468322-G-A. GRCh37 (hg19) VCF-style: chr21-46888236-G-A.
Other names: NM_130445.2:c.187G>A; c.727G>A, p.Asp243Asn (NM_030582.4); c.1432G>A, p.Asp478Asn (NM_130444.3); c.727G>A (NM_030582.3); short protein forms D243N, D478N, D63N.
Identifiers: ClinVar variation 896441 (VCV000896441.10), dbSNP rs377002382, ClinGen allele CA10065693.